The following is an entry in ClinVar:

NM_001903.5(CTNNA1):c.263A>G (p.Glu88Gly)

Gene: CTNNA1 (catenin alpha 1; plus strand). Cytogenetic location: 5q31.2.
Variant type: single nucleotide variant.
Coding change: c.263A>G on transcript NM_001903.5 (MANE Select); coding-DNA position 263, A replaced by G.
Protein change: p.Glu88Gly; replaces glutamic acid 88 with glycine.
Molecular consequence: missense variant. On other transcripts: intron variant (2).
Genome position (GRCh38, 1-based): chr5:138,783,334, A>G. VCF-style: chr5-138783334-A-G. GRCh37 (hg19) VCF-style: chr5-138119023-A-G.
Other names: c.263A>G, p.Glu88Gly (NM_001290307.3, NM_001323982.2, NM_001323983.1 and 3 more transcripts); c.-6+62A>G (NM_001290310.3); c.-9+1305A>G (NM_001290309.3); short protein forms E88G.
Identifiers: ClinVar variation 2757088 (VCV002757088.3), dbSNP rs2532179365, ClinGen allele CA361477644.

ClinVar aggregate classification (germline): Uncertain significance (1 of 4 stars; one submission).

Submission:

Labcorp Genetics (formerly Invitae), Labcorp
Classification: Uncertain significance. Last evaluated: 2023-09-01. Review status: criteria provided, single submitter. Criteria: Invitae Variant Classification Sherloc (09022015). Collection method: clinical testing. Allele origin: germline.
Comment: In summary, the available evidence is currently insufficient to determine the role of this variant in disease. Therefore, it has been classified as a Variant of Uncertain Significance. Advanced modeling of protein sequence and biophysical properties (such as structural, functional, and spatial information, amino acid conservation, physicochemical variation, residue mobility, and thermodynamic stability) performed at Invitae indicates that this missense variant is not expected to disrupt CTNNA1 protein function. This variant has not been reported in the literature in individuals affected with CTNNA1-related conditions. This variant is not present in population databases (gnomAD no frequency). This sequence change replaces glutamic acid, which is acidic and polar, with glycine, which is neutral and non-polar, at codon 88 of the CTNNA1 protein (p.Glu88Gly).